The following is an entry in ClinVar:

NM_001128840.3(CACNA1D):c.1649G>T (p.Trp550Leu)

Gene: CACNA1D (calcium voltage-gated channel subunit alpha1 D; plus strand). Cytogenetic location: 3p21.1.
Variant type: single nucleotide variant.
Coding change: c.1649G>T on transcript NM_001128840.3 (MANE Select); coding-DNA position 1649, G replaced by T.
Protein change: p.Trp550Leu; replaces tryptophan 550 with leucine.
Molecular consequence: missense variant.
Genome position (GRCh38, 1-based): chr3:53,722,457, G>T. VCF-style: chr3-53722457-G-T. GRCh37 (hg19) VCF-style: chr3-53756484-G-T.
Other names: c.1709G>T, p.Trp570Leu (NM_000720.4); c.1649G>T, p.Trp550Leu (NM_001128839.3); short protein forms W570L, W550L.
Identifiers: ClinVar variation 4744565 (VCV004744565.1).

ClinVar aggregate classification (germline): Uncertain significance (1 of 4 stars; one submission).

Submission:

Labcorp Genetics (formerly Invitae), Labcorp
Classification: Uncertain significance. Last evaluated: 2025-10-01. Review status: criteria provided, single submitter. Criteria: Invitae Variant Classification Sherloc (09022015). Collection method: clinical testing. Allele origin: germline.
Comment: This sequence change replaces tryptophan, which is neutral and slightly polar, with leucine, which is neutral and non-polar, at codon 570 of the CACNA1D protein (p.Trp570Leu). This variant is not present in population databases (gnomAD no frequency). This variant has not been reported in the literature in individuals affected with CACNA1D-related conditions. Invitae Evidence Modeling of protein sequence and biophysical properties (such as structural, functional, and spatial information, amino acid conservation, physicochemical variation, residue mobility, and thermodynamic stability) indicates that this missense variant is not expected to disrupt CACNA1D protein function with a negative predictive value of 80%. In summary, the available evidence is currently insufficient to determine the role of this variant in disease. Therefore, it has been classified as a Variant of Uncertain Significance.